The following is an entry in ClinVar:

ClinVar aggregate classification (germline): Uncertain significance (1 of 4 stars; one submission).

Submission:

Labcorp Genetics (formerly Invitae), Labcorp
Classification: Uncertain significance. Last evaluated: 2024-03-01. Review status: criteria provided, single submitter. Criteria: Invitae Variant Classification Sherloc (09022015). Collection method: clinical testing. Allele origin: germline.
Comment: This sequence change falls in intron 34 of the POLE gene. It does not directly change the encoded amino acid sequence of the POLE protein. It affects a nucleotide within the consensus splice site. This variant is not present in population databases (gnomAD no frequency). This variant has not been reported in the literature in individuals affected with POLE-related conditions. Variants that disrupt the consensus splice site are a relatively common cause of aberrant splicing (PMID: 17576681, 9536098). Algorithms developed to predict the effect of sequence changes on RNA splicing suggest that this variant is not likely to affect RNA splicing. In summary, the available evidence is currently insufficient to determine the role of this variant in disease. Therefore, it has been classified as a Variant of Uncertain Significance.

Literature cited by the submitters: PubMed 17576681; PubMed 9536098.

NM_006231.4(POLE):c.4445-3C>A

Gene: POLE (DNA polymerase epsilon, catalytic subunit; minus strand). Cytogenetic location: 12q24.33.
Variant type: single nucleotide variant.
Coding change: c.4445-3C>A on transcript NM_006231.4 (MANE Select); 3 bases into the intron before coding-DNA position 4445, C replaced by A.
Molecular consequence: intron variant.
Genome position (GRCh38, 1-based): chr12:132,643,333, G>T on the plus strand (C>A on the coding strand, the complement: POLE is on the minus strand). VCF-style: chr12-132643333-G-T. GRCh37 (hg19) VCF-style: chr12-133219919-G-T.
Identifiers: ClinVar variation 3643873 (VCV003643873.2).
Genomic context (GRCh38, chr12:132,643,333, plus strand): 5'-CCGAAGAGCGCTTTGTGGGCCTGTGCGTGGTGGTACAGGTAGATATGGCGGATACTCCCT[G>T]GAGAAGGAAACAAGACCGTCACCCCAGATGTGTGGGAGGCAGGCACATGATGGGCGGCTG-3'